The following is an entry in ClinVar:

ClinVar aggregate classification (germline): Uncertain significance (1 of 4 stars; one submission).

Conditions:
Familial thoracic aortic aneurysm and aortic dissection (TAAD). Also called: Thoracic aortic aneurysms and dissections. Identifiers: Orphanet 91387, MedGen C4707243, MONDO:0019625.

Submission:

Labcorp Genetics (formerly Invitae), Labcorp
Classification: Uncertain significance for Familial thoracic aortic aneurysm and aortic dissection. Last evaluated: 2023-04-09. Review status: criteria provided, single submitter. Criteria: Invitae Variant Classification Sherloc (09022015). Collection method: clinical testing. Allele origin: germline.
Comment: This variant has not been reported in the literature in individuals affected with TGFBR2-related conditions. In summary, the available evidence is currently insufficient to determine the role of this variant in disease. Therefore, it has been classified as a Variant of Uncertain Significance. Variants that disrupt the consensus splice site are a relatively common cause of aberrant splicing (PMID: 17576681, 9536098). Algorithms developed to predict the effect of sequence changes on RNA splicing suggest that this variant is not likely to affect RNA splicing. This variant is not present in population databases (gnomAD no frequency). This sequence change falls in intron 6 of the TGFBR2 gene. It does not directly change the encoded amino acid sequence of the TGFBR2 protein. It affects a nucleotide within the consensus splice site.

Literature cited by the submitters: PubMed 17576681; PubMed 9536098.

NM_003242.6(TGFBR2):c.1524+4A>G

Gene: TGFBR2 (transforming growth factor beta receptor 2; plus strand). Cytogenetic location: 3p24.1.
Variant type: single nucleotide variant.
Coding change: c.1524+4A>G on transcript NM_003242.6 (MANE Select); 4 bases into the intron after coding-DNA position 1524, A replaced by G.
Molecular consequence: intron variant.
Genome position (GRCh38, 1-based): chr3:30,688,515, A>G. VCF-style: chr3-30688515-A-G. GRCh37 (hg19) VCF-style: chr3-30730007-A-G.
Other names: c.1527+4A>G (NM_001407129.1); c.1419+4A>G (NM_001407132.1, NM_001407136.1, NM_001407133.1 and 2 more transcripts); c.1707+4A>G (NM_001407126.1); c.1599+4A>G (NM_001024847.3); c.654+4A>G (NM_001407139.1); c.1239+4A>G (NM_001407137.1); c.1632+4A>G (NM_001407127.1); c.1521+4A>G (NM_001407130.1); and 2 more.
Identifiers: ClinVar variation 2730122 (VCV002730122.3), dbSNP rs2470596455, ClinGen allele CA2697550745.